The following is an entry in ClinVar:

ClinVar aggregate classification (germline): Uncertain significance (1 of 4 stars; one submission).

Submission:

GeneDx
Classification: Uncertain significance. Last evaluated: 2022-06-09. Review status: criteria provided, single submitter. Criteria: GeneDx Variant Classification Process June 2021. Collection method: clinical testing. Allele origin: germline. Affected: yes.
Comment: Not observed at significant frequency in large population cohorts (gnomAD); In silico analysis supports that this missense variant does not alter protein structure/function; Has not been previously published as pathogenic or benign to our knowledge

NM_001349798.2(FBXW7):c.465C>A (p.His155Gln)

Gene: FBXW7 (F-box and WD repeat domain containing 7; minus strand). Cytogenetic location: 4q31.3.
Variant type: single nucleotide variant.
Coding change: c.465C>A on transcript NM_001349798.2 (MANE Select); coding-DNA position 465, C replaced by A.
Protein change: p.His155Gln; replaces histidine 155 with glutamine.
Molecular consequence: missense variant.
Genome position (GRCh38, 1-based): chr4:152,411,339, G>T on the plus strand (C>A on the coding strand, the complement: FBXW7 is on the minus strand). VCF-style: chr4-152411339-G-T. GRCh37 (hg19) VCF-style: chr4-153332491-G-T.
Other names: c.465C>A, p.His155Gln (NM_001257069.1, NM_033632.3); short protein forms H155Q.
Identifiers: ClinVar variation 1803418 (VCV001803418.1), dbSNP rs2126876562, ClinGen allele CA358619749.